The following is an entry in ClinVar:

ClinVar aggregate classification (germline): Pathogenic. Review status: reviewed by expert panel (3 of 4 stars). 2 submissions from 2 submitters: Pathogenic (1). 1 of the submissions does not count toward it. Last evaluated 2017-12-15.

Conditions:
Breast-ovarian cancer, familial, susceptibility to, 1 (BROVCA1). Also called: BRCA1 Hereditary Breast and Ovarian Cancer; OVARIAN CANCER, SUSCEPTIBILITY TO. Identifiers: Orphanet 145, MedGen C2676676, MONDO:0011450, OMIM 604370. Disease mechanism: loss of function.
Hereditary breast ovarian cancer syndrome. Also called: Hereditary breast and ovarian cancer; Hereditary breast and ovarian cancer syndrome; Hereditary breast and ovarian cancer syndrome (HBOC); Breast and ovarian cancer; BRCA1- and BRCA2-Associated Hereditary Breast and Ovarian Cancer; Hereditary breast and/or ovarian cancer syndrome. Identifiers: Orphanet 145, MedGen C0677776, MeSH D061325, MONDO:0003582. Disease mechanism: loss of function.

Submissions (2):

Evidence-based Network for the Interpretation of Germline Mutant Alleles (ENIGMA)
Classification: Pathogenic for Breast-ovarian cancer, familial, susceptibility to, 1. Last evaluated: 2017-12-15. Review status: reviewed by expert panel. Criteria: ENIGMA BRCA1/2 Classification Criteria (2017-06-29). Collection method: curation. Allele origin: germline. Study: ENIGMA.
Comment: Variant allele predicted to encode a truncated non-functional protein.

Women's Health and Genetics/Laboratory Corporation of America, LabCorp
Classification: Likely pathogenic for Hereditary breast and ovarian cancer syndrome. Last evaluated: 2020-12-12. Review status: criteria provided, single submitter. Criteria: LabCorp Variant Classification Summary - May 2015. Collection method: clinical testing. Allele origin: germline. Not counted in ClinVar's aggregate classification.
Comment: Variant summary: BRCA1 c.1670_1673delCAAA (p.Thr557LysfsX14) results in a premature termination codon, predicted to cause a truncation of the encoded protein or absence of the protein due to nonsense mediated decay, which are commonly known mechanisms for disease. Truncations downstream of this position have been classified as pathogenic by our laboratory. The variant was absent in 250426 control chromosomes. c.1670_1673delCAAA has been reported in the literature in at-least one individual with anorectal melanoma (Yang_2017) and in one family affected with Hereditary Breast And Ovarian Cancer Syndrome (Laitman_2019). To our knowledge, no experimental evidence demonstrating an impact on protein function has been reported. One expert panel (ENIGMA) has submitted clinical-significance assessments for this variant to ClinVar after 2014 without evidence for independent evaluation and classified the variant as pathogenic. Based on the evidence outlined above, the variant was classified as likely pathogenic.

Literature cited by the submitters: PubMed 27739435 (cited by Women's Health and Genetics/Laboratory Corporation of America, LabCorp).

NM_007294.4(BRCA1):c.1670_1673del (p.Thr557fs)

Gene: BRCA1 (BRCA1 DNA repair associated; minus strand). Cytogenetic location: 17q21.31.
Variant type: Deletion.
Coding change: c.1670_1673del on transcript NM_007294.4 (MANE Select); coding-DNA positions 1670 to 1673, 4 bases deleted (CAAA; older notation c.1670_1673delCAAA).
Protein change: p.Thr557fs; shifts the reading frame from threonine 557.
Molecular consequence: frameshift variant. On other transcripts: intron variant (137).
Genome position (GRCh38, 1-based): chr17:43,093,858-43,093,861, TTTG deleted on the plus strand (CAAA on the coding strand, the reverse complement: BRCA1 is on the minus strand); deleting any 4 consecutive bases within chr17:43,093,858-43,093,864 gives the same sequence; the c. name uses the placement nearest the transcript's 3' end. VCF-style (leftmost placement, unchanged base first): chr17-43093857-TTTTG-T. GRCh37 (hg19) VCF-style: chr17-41245874-TTTTG-T.
Other names: c.1670_1673delCAAA (NM_007294.3); c.1670_1673del, p.Thr557fs (NM_001407596.1, NM_001407597.1, NM_001407598.1 and 30 more transcripts); c.1667_1670del, p.Thr556fs (NM_001407587.1, NM_001407590.1, NM_001407591.1 and 22 more transcripts); c.1544_1547del, p.Thr515fs (NM_001407672.1, NM_001407673.1, NM_001407685.1 and 11 more transcripts); c.1547_1550del, p.Thr516fs (NM_001407674.1, NM_001407675.1, NM_001407676.1 and 19 more transcripts); c.1529_1532del, p.Thr510fs (NM_001407692.1, NM_001407694.1, NM_001407695.1 and 29 more transcripts); c.1526_1529del, p.Thr509fs (NM_001407740.1, NM_001407741.1, NM_001407742.1 and 20 more transcripts); c.1457_1460del, p.Thr486fs (NM_001407853.1, NM_001407894.1, NM_001407895.1 and 9 more transcripts); and 41 more; short protein forms T510fs, T557fs, T429fs, T531fs, T554fs, T261fs, T446fs, T469fs.
Identifiers: ClinVar variation 548277 (VCV000548277.3), dbSNP rs1555591390, ClinGen allele CA658824516.
Genomic context (GRCh38, chr17:43,093,857, plus strand): 5'-AGATTCTTTTTCGAGTGATTCTATTGGGTTAGGATTTTTCTCATTCTGAATAGAATCACC[TTTTG>T]TTTTATTCTCATGACCACTATTAGTAATATTCATCACTTGACCATTCTGCTCCGTTTGGT-3'